The following is an entry in ClinVar:

ClinVar aggregate classification (germline): Uncertain significance. Review status: criteria provided, multiple submitters, no conflicts (2 of 4 stars). 2 submissions from 2 submitters: Uncertain significance (2). Last evaluated 2025-07-22.

Conditions:
Atrioventricular septal defect 5 (AVSD5). Identifiers: MedGen C3280939, MONDO:0013769, OMIM 614474.
GATA6-related disorder. Also called: GATA6-related condition.

Allele frequency attached by ClinVar (database versions not stated): gnomAD 0.00001; TOPMed 0.00002.
gnomAD v4.1: 2 of 1,466,544 alleles (0.00014%); highest among the groups gnomAD compares: African/African-American, 0.0015%; no homozygotes.

Submissions (2):

Labcorp Genetics (formerly Invitae), Labcorp
Classification: Uncertain significance for Atrioventricular septal defect 5. Last evaluated: 2025-07-22. Review status: criteria provided, single submitter. Criteria: Invitae Variant Classification Sherloc (09022015). Collection method: clinical testing. Allele origin: germline.
Comment: This sequence change replaces proline, which is neutral and non-polar, with serine, which is neutral and polar, at codon 199 of the GATA6 protein (p.Pro199Ser). This variant is not present in population databases (gnomAD no frequency). This variant has not been reported in the literature in individuals affected with GATA6-related conditions. ClinVar contains an entry for this variant (Variation ID: 1040611). Invitae Evidence Modeling of protein sequence and biophysical properties (such as structural, functional, and spatial information, amino acid conservation, physicochemical variation, residue mobility, and thermodynamic stability) indicates that this missense variant is not expected to disrupt GATA6 protein function with a negative predictive value of 80%. In summary, the available evidence is currently insufficient to determine the role of this variant in disease. Therefore, it has been classified as a Variant of Uncertain Significance.

PreventionGenetics, part of Exact Sciences
Classification: Uncertain significance for GATA6-related condition. Last evaluated: 2023-01-18. Review status: criteria provided, single submitter. Criteria: ACMG Guidelines, 2015. Collection method: clinical testing. Allele origin: germline.
Comment: The GATA6 c.595C>T variant is predicted to result in the amino acid substitution p.Pro199Ser. To our knowledge, this variant has not been reported in the literature or in a large population database, indicating this variant is rare. At this time, the clinical significance of this variant is uncertain due to the absence of conclusive functional and genetic evidence.

NM_005257.6(GATA6):c.595C>T (p.Pro199Ser)

Gene: GATA6 (GATA binding protein 6; plus strand). Cytogenetic location: 18q11.2.
Variant type: single nucleotide variant.
Coding change: c.595C>T on transcript NM_005257.6 (MANE Select); coding-DNA position 595, C replaced by T.
Protein change: p.Pro199Ser; replaces proline 199 with serine.
Molecular consequence: missense variant.
Genome position (GRCh38, 1-based): chr18:22,171,739, C>T. VCF-style: chr18-22171739-C-T. GRCh37 (hg19) VCF-style: chr18-19751700-C-T.
Other names: c.595C>T (NM_005257.5); short protein forms P199S.
Identifiers: ClinVar variation 1040611 (VCV001040611.9), dbSNP rs1428539753, ClinGen allele CA401800092.